The following is an entry in ClinVar:

ClinVar aggregate classification (germline): Uncertain significance (1 of 4 stars; one submission).

Conditions:
Hereditary cancer-predisposing syndrome. Also called: Hereditary Cancer Syndrome; Hereditary neoplastic syndrome; Neoplastic Syndromes, Hereditary; Tumor predisposition. Identifiers: Orphanet 140162, MedGen C0027672, MeSH D009386, MONDO:0015356.

Submission:

Ambry Genetics
Classification: Uncertain significance for Hereditary cancer-predisposing syndrome. Last evaluated: 2025-06-24. Review status: criteria provided, single submitter. Criteria: Ambry Variant Classification Scheme 2023. Collection method: clinical testing. Allele origin: germline.
Comment: The p.S3147C variant (also known as c.9440C>G), located in coding exon 24 of the BRCA2 gene, results from a C to G substitution at nucleotide position 9440. The serine at codon 3147 is replaced by cysteine, an amino acid with dissimilar properties. This amino acid position is conserved. In addition, this alteration is predicted to be deleterious by in silico analysis. Based on the available evidence, the clinical significance of this variant remains unclear.

NM_000059.4(BRCA2):c.9440C>G (p.Ser3147Cys)

Gene: BRCA2 (BRCA2 DNA repair associated; plus strand). Cytogenetic location: 13q13.1.
Variant type: single nucleotide variant.
Coding change: c.9440C>G on transcript NM_000059.4 (MANE Select); coding-DNA position 9440, C replaced by G.
Protein change: p.Ser3147Cys; replaces serine 3147 with cysteine.
Molecular consequence: missense variant. On other transcripts: non-coding transcript variant (1).
Genome position (GRCh38, 1-based): chr13:32,394,872, C>G. VCF-style: chr13-32394872-C-G. GRCh37 (hg19) VCF-style: chr13-32969009-C-G.
Other names: c.4508C>G, p.Ser1503Cys (NM_001406721.1); c.3023C>G, p.Ser1008Cys (NM_001406722.1); c.9440C>G, p.Ser3147Cys (NM_001432077.1); c.9344C>G, p.Ser3115Cys (NM_001406719.1); c.9389C>G, p.Ser3130Cys (NM_001406720.1); short protein forms S3147C, S1008C, S3130C, S1503C, S3115C.
Identifiers: ClinVar variation 4215802 (VCV004215802.1).
Genomic context (GRCh38, chr13:32,394,872, plus strand): 5'-GGCGACCAGAATCCAAATCAGGCCTTCTTACTTTATTTGCTGGAGATTTTTCTGTGTTTT[C>G]TGCTAGTCCAAAAGAGGGCCACTTTCAAGAGACATTCAACAAAATGAAAAATACTGTTGA-3'
Protein context (NP_000050.3, residues 3137-3157): TLFAGDFSVF[Ser3147Cys]ASPKEGHFQE